The following is an entry in ClinVar:

ClinVar aggregate classification (germline): Uncertain significance. Review status: criteria provided, multiple submitters, no conflicts (2 of 4 stars). 4 submissions from 4 submitters: Uncertain significance (4). Last evaluated 2025-12-30.

Conditions:
Chédiak-Higashi syndrome (CHS). Also called: Chediak-Higashi Syndrome. Identifiers: Orphanet 167, MedGen C0007965, MONDO:0008963, OMIM 214500.

Allele frequency attached by ClinVar (database versions not stated): gnomAD exomes 0.00006; TOPMed 0.00007; gnomAD 0.00009; ExAC 0.00016; 1000 Genomes Project 0.00120; 1000 Genomes Project 30x 0.00156.
gnomAD v4.1: 102 of 1,613,946 alleles (0.0063%); highest among the groups gnomAD compares: South Asian, 0.092%; 1 homozygote.

Submissions (4):

Labcorp Genetics (formerly Invitae), Labcorp
Classification: Uncertain significance for Chédiak-Higashi syndrome. Last evaluated: 2025-12-30. Review status: criteria provided, single submitter. Criteria: Invitae Variant Classification Sherloc (09022015). Collection method: clinical testing. Allele origin: germline.
Comment: This sequence change replaces valine, which is neutral and non-polar, with isoleucine, which is neutral and non-polar, at codon 3248 of the LYST protein (p.Val3248Ile). This variant is present in population databases (rs543359025, gnomAD 0.07%). This variant has not been reported in the literature in individuals affected with LYST-related conditions. ClinVar contains an entry for this variant (Variation ID: 296360). Invitae Evidence Modeling of protein sequence and biophysical properties (such as structural, functional, and spatial information, amino acid conservation, physicochemical variation, residue mobility, and thermodynamic stability) indicates that this missense variant is expected to disrupt LYST protein function with a positive predictive value of 80%. In summary, the available evidence is currently insufficient to determine the role of this variant in disease. Therefore, it has been classified as a Variant of Uncertain Significance.

Blueprint Genetics
Classification: Uncertain significance. Last evaluated: 2024-07-11. Review status: criteria provided, single submitter. Criteria: ACMG Guidelines, 2015. Collection method: clinical testing. Allele origin: germline.

Revvity Omics, Revvity
Classification: Uncertain significance for Chédiak-Higashi syndrome. Last evaluated: 2019-07-01. Review status: criteria provided, single submitter. Criteria: ACMG Guidelines, 2015. Collection method: clinical testing. Allele origin: germline.

Illumina Laboratory Services, Illumina
Classification: Uncertain significance for Chédiak-Higashi syndrome. Last evaluated: 2018-01-13. Review status: criteria provided, single submitter. Criteria: ICSL Variant Classification Criteria 13 December 2019. Collection method: clinical testing. Allele origin: germline.

NM_000081.4(LYST):c.9742G>A (p.Val3248Ile)

Gene: LYST (lysosomal trafficking regulator; minus strand). Cytogenetic location: 1q42.3.
Variant type: single nucleotide variant.
Coding change: c.9742G>A on transcript NM_000081.4 (MANE Select); coding-DNA position 9742, G replaced by A.
Protein change: p.Val3248Ile; replaces valine 3248 with isoleucine.
Molecular consequence: missense variant.
Genome position (GRCh38, 1-based): chr1:235,715,243, C>T on the plus strand (G>A on the coding strand, the complement: LYST is on the minus strand). VCF-style: chr1-235715243-C-T. GRCh37 (hg19) VCF-style: chr1-235878543-C-T.
Other names: c.9742G>A, p.Val3248Ile (NM_001301365.1); short protein forms V3248I.
Identifiers: ClinVar variation 296360 (VCV000296360.12), dbSNP rs543359025, ClinGen allele CA1465507.
Genomic context (GRCh38, chr1:235,715,243, plus strand): 5'-CAGTTATTAAATTCTTACCTTGATAGGCTAAAAACATTTTAGTGAAAGGAGGCATCCTGA[C>T]CAGGAAGTGAAGCACAGTGCCGCTATTGGAATAGTGGGAGCCATAGTGATAGGGCTGCAC-3'
Protein context (NP_000072.2, residues 3238-3258): SNSGTVLHFL[Val3248Ile]RMPPFTKMFL